The following is an entry in ClinVar:

NM_001454.4(FOXJ1):c.167G>C (p.Gly56Ala)

Genes: FOXJ1 (forkhead box J1; minus strand), LOC130061707 (ATAC-STARR-seq lymphoblastoid silent region 9003; plus strand). Cytogenetic location: 17q25.1.
Variant type: single nucleotide variant.
Coding change: c.167G>C on transcript NM_001454.4 (MANE Select); coding-DNA position 167, G replaced by C.
Protein change: p.Gly56Ala; replaces glycine 56 with alanine.
Molecular consequence: missense variant.
Genome position (GRCh38, 1-based): chr17:76,140,229, C>G on the plus strand (G>C on the coding strand, the complement: FOXJ1 is on the minus strand). VCF-style: chr17-76140229-C-G. GRCh37 (hg19) VCF-style: chr17-74136310-C-G.
Other names: short protein forms G56A.
Identifiers: ClinVar variation 4985588 (VCV004985588.1).

ClinVar aggregate classification (germline): Uncertain significance (1 of 4 stars; one submission).

Conditions:
FOXJ1-related disorder. Also called: FOXJ1-related condition.

gnomAD v4.1: 1 of 1,450,616 alleles (0.000069%); highest among the groups gnomAD compares: Admixed American, 0.0032%; no homozygotes.

Submission:

PreventionGenetics, part of Exact Sciences
Classification: Uncertain significance for FOXJ1-related condition. Last evaluated: 2026-06-08. Review status: criteria provided, single submitter. Criteria: ACMG Guidelines, 2015. Collection method: clinical testing. Allele origin: germline.
Comment: The FOXJ1 c.167G>C variant is predicted to result in the amino acid substitution p.Gly56Ala. To our knowledge, this variant has not been reported in the literature. This variant is reported in 0.016% of alleles in individuals of Latino descent in gnomAD. At this time, the clinical significance of this variant is uncertain due to the absence of conclusive functional and genetic evidence.